The following is an entry in ClinVar:

ClinVar aggregate classification (germline): Uncertain significance (1 of 4 stars; one submission).

Conditions:
KBG syndrome (KBGS). Also called: ANKRD11-Related KBG Syndrome. Identifiers: Orphanet 2332, MedGen C0220687, MONDO:0007846, OMIM 148050.

gnomAD v4.1: 3 of 1,614,162 alleles (0.00019%); highest among the groups gnomAD compares: Admixed American, 0.0033%; no homozygotes.

Submission:

Labcorp Genetics (formerly Invitae), Labcorp
Classification: Uncertain significance for KBG syndrome. Last evaluated: 2023-11-19. Review status: criteria provided, single submitter. Criteria: Invitae Variant Classification Sherloc (09022015). Collection method: clinical testing. Allele origin: germline.
Comment: This sequence change replaces isoleucine, which is neutral and non-polar, with methionine, which is neutral and non-polar, at codon 672 of the ANKRD11 protein (p.Ile672Met). This variant is present in population databases (no rsID available, gnomAD 0.006%). This variant has not been reported in the literature in individuals affected with ANKRD11-related conditions. Advanced modeling of protein sequence and biophysical properties (such as structural, functional, and spatial information, amino acid conservation, physicochemical variation, residue mobility, and thermodynamic stability) performed at Invitae indicates that this missense variant is not expected to disrupt ANKRD11 protein function with a negative predictive value of 95%. In summary, the available evidence is currently insufficient to determine the role of this variant in disease. Therefore, it has been classified as a Variant of Uncertain Significance.

NM_013275.6(ANKRD11):c.2016A>G (p.Ile672Met)

Gene: ANKRD11 (ankyrin repeat domain 11; minus strand). Cytogenetic location: 16q24.3.
Variant type: single nucleotide variant.
Coding change: c.2016A>G on transcript NM_013275.6 (MANE Select); coding-DNA position 2016, A replaced by G.
Protein change: p.Ile672Met; replaces isoleucine 672 with methionine.
Molecular consequence: missense variant.
Genome position (GRCh38, 1-based): chr16:89,284,526, T>C on the plus strand (A>G on the coding strand, the complement: ANKRD11 is on the minus strand). VCF-style: chr16-89284526-T-C. GRCh37 (hg19) VCF-style: chr16-89350934-T-C.
Other names: c.2016A>G, p.Ile672Met (NM_001256182.2, NM_001256183.2); short protein forms I672M.
Identifiers: ClinVar variation 2957071 (VCV002957071.3), dbSNP rs988520695, ClinGen allele CA397163391.